The following is an entry in ClinVar:

NM_006031.6(PCNT):c.9767C>T (p.Pro3256Leu)

Gene: PCNT (pericentrin; plus strand). Cytogenetic location: 21q22.3.
Variant type: single nucleotide variant.
Coding change: c.9767C>T on transcript NM_006031.6 (MANE Select); coding-DNA position 9767, C replaced by T.
Protein change: p.Pro3256Leu; replaces proline 3256 with leucine.
Molecular consequence: missense variant.
Genome position (GRCh38, 1-based): chr21:46,443,876, C>T. VCF-style: chr21-46443876-C-T. GRCh37 (hg19) VCF-style: chr21-47863789-C-T.
Other names: c.9176C>T, p.Pro3059Leu (NM_001315529.2); short protein forms P3059L, P3256L.
Identifiers: ClinVar variation 3350593 (VCV003350593.1).
Genomic context (GRCh38, chr21:46,443,876, plus strand): 5'-GAGCACGACAGCCGCAGTCTCCACCCAGAACCAGAGAGTCCCCCCCAACCCGGGATGTAC[C>T]CTCTGGCCACACCAGGGACCCTGCCAGAGGCCGCAGACTGGCAGCAGCAGCCTCCCCACA-3'
Protein context (NP_006022.3, residues 3246-3266): TRESPPTRDV[Pro3256Leu]SGHTRDPARG

ClinVar aggregate classification (germline): Uncertain significance (0 of 4 stars; one submission).

Conditions:
PCNT-related disorder. Also called: PCNT-related condition.

gnomAD v4.1: 7 of 1,613,204 alleles (0.00043%); highest among the groups gnomAD compares: East Asian, 0.0022%; no homozygotes.

Submission:

PreventionGenetics, part of Exact Sciences
Classification: Uncertain significance for PCNT-related condition. Last evaluated: 2024-08-14. Review status: no assertion criteria provided. Collection method: clinical testing. Allele origin: germline.
Comment: The PCNT c.9767C>T variant is predicted to result in the amino acid substitution p.Pro3256Leu. To our knowledge, this variant has not been reported in the literature. This variant is reported in 0.0018% of alleles in individuals of European (Non-Finnish) descent in gnomAD. At this time, the clinical significance of this variant is uncertain due to the absence of conclusive functional and genetic evidence.